The following is an entry in ClinVar:

ClinVar aggregate classification (germline): Likely benign (1 of 4 stars; one submission).

gnomAD v4.1: 21 of 1,613,914 alleles (0.0013%); highest among the groups gnomAD compares: South Asian, 0.0077%; no homozygotes.

Submission:

CeGaT Center for Human Genetics Tuebingen
Classification: Likely benign. Last evaluated: 2026-09-01. Review status: criteria provided, single submitter. Criteria: CeGaT Center For Human Genetics Tuebingen Variant Classification Criteria Version 2. Collection method: clinical testing. Allele origin: germline. Affected: yes. Observed: 1 variant allele.
Comment: SVIL: BP4, BP7

NM_021738.3(SVIL):c.5163G>A (p.Thr1721=)

Genes: SVIL (supervillin; minus strand), SVIL-AS1 (SVIL antisense RNA 1; plus strand). Cytogenetic location: 10p11.23.
Variant type: single nucleotide variant.
Coding change: c.5163G>A on transcript NM_021738.3 (MANE Select); coding-DNA position 5163, G replaced by A.
Protein change: p.Thr1721=; no amino-acid change (threonine 1721 retained).
Molecular consequence: synonymous variant.
Genome position (GRCh38, 1-based): chr10:29,480,751, C>T on the plus strand (G>A on the coding strand, the complement: SVIL is on the minus strand). VCF-style: chr10-29480751-C-T. GRCh37 (hg19) VCF-style: chr10-29769680-C-T.
Other names: c.4233G>A, p.Thr1411= (NM_001323599.2); c.3981G>A, p.Thr1327= (NM_001323600.1); c.3885G>A, p.Thr1295= (NM_003174.3).
Identifiers: ClinVar variation 5041147 (VCV005041147.1).